The following is an entry in ClinVar:

NM_001009944.3(PKD1):c.8162-1G>A

Gene: PKD1 (polycystin 1, transient receptor potential channel interacting; minus strand). Cytogenetic location: 16p13.3.
Variant type: single nucleotide variant.
Coding change: c.8162-1G>A on transcript NM_001009944.3 (MANE Select); the canonical splice acceptor site of the intron before coding-DNA position 8162, G replaced by A.
Molecular consequence: splice acceptor variant.
Genome position (GRCh38, 1-based): chr16:2,103,896, C>T on the plus strand (G>A on the coding strand, the complement: PKD1 is on the minus strand). VCF-style: chr16-2103896-C-T. GRCh37 (hg19) VCF-style: chr16-2153897-C-T.
Other names: c.8162-1G>A (NM_000296.4).
Identifiers: ClinVar variation 448014 (VCV000448014.3), dbSNP rs1555451430, ClinGen allele CA394365274.

ClinVar aggregate classification (germline): Pathogenic/Likely pathogenic. Review status: criteria provided, multiple submitters, no conflicts (2 of 4 stars). 3 submissions from 3 submitters: Pathogenic (2); Likely pathogenic (1). Last evaluated 2025-02-14.

Conditions:
Polycystic kidney disease, adult type (PKD1). Also called: POLYCYSTIC KIDNEY DISEASE 1 WITH OR WITHOUT POLYCYSTIC LIVER DISEASE; Polycystic Kidney, Autosomal Dominant; POLYCYSTIC KIDNEY DISEASE, ADULT, TYPE I; Polycystic Kidney Disease 1, Autosomal Dominant; Polycystic kidney disease 1; Polycystic kidney disease 1, severe. Identifiers: MedGen C3149841, MONDO:0008263, OMIM 173900.

Submissions (3):

GeneDx
Classification: Likely pathogenic. Last evaluated: 2025-02-14. Review status: criteria provided, single submitter. Criteria: GeneDx Variant Classification Process June 2021. Collection method: clinical testing. Allele origin: germline. Affected: yes.
Comment: Canonical splice site variant predicted to result in an in-frame loss of the adjacent exon in a gene for which loss of function is a known mechanism of disease; Not observed at significant frequency in large population cohorts (gnomAD); This variant is associated with the following publications: (PMID: 27499327, 37372416, 29860066)

Fulgent Genetics
Classification: Pathogenic for Polycystic kidney disease, adult type. Last evaluated: 2022-02-05. Review status: criteria provided, single submitter. Criteria: ACMG Guidelines, 2015. Collection method: clinical testing. Allele origin: unknown.

Athena Diagnostics
Classification: Pathogenic. Last evaluated: 2017-03-17. Review status: criteria provided, single submitter. Criteria: Athena Diagnostics Criteria. Collection method: clinical testing. Allele origin: germline.

Literature cited by the submitters: PubMed 27499327 (cited by Athena Diagnostics).